The following is an entry in ClinVar:

NM_001356.5(DDX3X):c.404_407del (p.Asp135fs)

Gene: DDX3X (DEAD-box helicase 3 X-linked; plus strand). Cytogenetic location: Xp11.4.
Variant type: Deletion.
Coding change: c.404_407del on transcript NM_001356.5 (MANE Select); coding-DNA positions 404 to 407, 4 bases deleted (ATTG; older notation c.404_407delATTG).
Protein change: p.Asp135fs; shifts the reading frame from aspartic acid 135.
Molecular consequence: frameshift variant. On other transcripts: 5 prime UTR variant (1), non-coding transcript variant (1).
Genome position (GRCh38, 1-based): chrX:41,342,614-41,342,617, ATTG deleted; deleting any 4 consecutive bases within chrX:41,342,612-41,342,617 gives the same sequence; the c. name uses the placement nearest the transcript's 3' end. VCF-style (leftmost placement, unchanged base first): chrX-41342611-ATGAT-A. GRCh37 (hg19) VCF-style: chrX-41201864-ATGAT-A.
Other names: c.404_407delATTG (NM_001356.3); c.404_407del, p.Asp135fs (NM_001193416.3); c.356_359del, p.Asp119fs (NM_001193417.3); c.-155_-152del (NM_001363819.1); short protein forms D119fs, D135fs.
Identifiers: ClinVar variation 2884101 (VCV002884101.4), dbSNP rs2519508966, ClinGen allele CA2695233640.

ClinVar aggregate classification (germline): Pathogenic. Review status: criteria provided, multiple submitters, no conflicts (2 of 4 stars). 2 submissions from 2 submitters: Pathogenic (2). Last evaluated 2023-12-12.

Conditions:
Inborn genetic diseases. Identifiers: MedGen C0950123, MeSH D030342.

Submissions (2):

Ambry Genetics
Classification: Pathogenic for Inborn genetic diseases. Last evaluated: 2023-12-12. Review status: criteria provided, single submitter. Criteria: Ambry Variant Classification Scheme 2023. Collection method: clinical testing. Allele origin: germline.
Comment: The c.404_407delATTG (p.D135Gfs*85) alteration, located in exon 5 (coding exon 5) of the DDX3X gene, consists of a deletion of 4 nucleotides from position 404 to 407, causing a translational frameshift with a predicted alternate stop codon after 85 amino acids. This alteration is expected to result in loss of function by premature protein truncation or nonsense-mediated mRNA decay. This variant was not reported in population-based cohorts in the Genome Aggregation Database (gnomAD). This variant has been reported to be the result of a de novo mutation in one individual from a neurodevelopmental cohort (Deciphering Developmental Disorders, 2017). Based on the available evidence, this alteration is classified as pathogenic.

Labcorp Genetics (formerly Invitae), Labcorp
Classification: Pathogenic. Last evaluated: 2023-07-26. Review status: criteria provided, single submitter. Criteria: Invitae Variant Classification Sherloc (09022015). Collection method: clinical testing. Allele origin: germline.
Comment: For these reasons, this variant has been classified as Pathogenic. This premature translational stop signal has been observed in individual(s) with a developmental disorder (PMID: 28135719). This variant is not present in population databases (gnomAD no frequency). This sequence change creates a premature translational stop signal (p.Asp135Glyfs*85) in the DDX3X gene. It is expected to result in an absent or disrupted protein product. Loss-of-function variants in DDX3X are known to be pathogenic (PMID: 26235985).

Literature cited by the submitters: PubMed 28135719 (cited by Ambry Genetics and Labcorp Genetics (formerly Invitae), Labcorp); PubMed 26235985 (cited by Labcorp Genetics (formerly Invitae), Labcorp).